The following is an entry in ClinVar:

NM_006389.5(HYOU1):c.2793T>G (p.Asn931Lys)

Gene: HYOU1 (hypoxia up-regulated 1; minus strand). Cytogenetic location: 11q23.3.
Variant type: single nucleotide variant.
Coding change: c.2793T>G on transcript NM_006389.5 (MANE Select); coding-DNA position 2793, T replaced by G.
Protein change: p.Asn931Lys; replaces asparagine 931 with lysine.
Molecular consequence: missense variant.
Genome position (GRCh38, 1-based): chr11:119,046,605, A>C on the plus strand (T>G on the coding strand, the complement: HYOU1 is on the minus strand). VCF-style: chr11-119046605-A-C. GRCh37 (hg19) VCF-style: chr11-118917317-A-C.
Other names: c.2793T>G, p.Asn931Lys (NM_001130991.3, NM_001411041.1); short protein forms N931K.
Identifiers: ClinVar variation 4704912 (VCV004704912.1).

ClinVar aggregate classification (germline): Uncertain significance (1 of 4 stars; one submission).

gnomAD v4.1: 1 of 1,614,098 alleles (0.000062%); highest among the groups gnomAD compares: Non-Finnish European, 0.000085%; no homozygotes.

Submission:

Labcorp Genetics (formerly Invitae), Labcorp
Classification: Uncertain significance. Last evaluated: 2025-10-01. Review status: criteria provided, single submitter. Criteria: Invitae Variant Classification Sherloc (09022015). Collection method: clinical testing. Allele origin: germline.
Comment: This sequence change replaces asparagine, which is neutral and polar, with lysine, which is basic and polar, at codon 931 of the HYOU1 protein (p.Asn931Lys). This variant is present in population databases (no rsID available, gnomAD 0.0009%). This variant has not been reported in the literature in individuals affected with HYOU1-related conditions. An algorithm developed to predict the effect of missense changes on protein structure and function (PolyPhen-2) suggests that this variant is likely to be tolerated. In summary, the available evidence is currently insufficient to determine the role of this variant in disease. Therefore, it has been classified as a Variant of Uncertain Significance.